The following is an entry in ClinVar:

ClinVar aggregate classification (germline): Conflicting classifications of pathogenicity. Review status: criteria provided, conflicting classifications (1 of 4 stars). 6 submissions from 6 submitters: Uncertain significance (4); Likely benign (1). 1 of the submissions does not count toward it. Last evaluated 2026-02-02.

Conditions:
Autoinflammatory syndrome. Identifiers: Orphanet 93665, MedGen C3890737, MONDO:0019751.
Griscelli syndrome type 2 (GS2). Also called: PAID SYNDROME; PARTIAL ALBINISM AND IMMUNODEFICIENCY SYNDROME; GRISCELLI SYNDROME WITH HEMOPHAGOCYTIC SYNDROME. Identifiers: Orphanet 381, Orphanet 79477, MedGen C1868679, MONDO:0011872, OMIM 607624.

Allele frequency attached by ClinVar (database versions not stated): ESP Exome Variant Server 0.00023; gnomAD 0.00029 and 0.00031; TOPMed 0.00029; ExAC 0.00034.

Submissions (6):

Labcorp Genetics (formerly Invitae), Labcorp
Classification: Likely benign for Griscelli syndrome type 2. Last evaluated: 2026-02-02. Review status: criteria provided, single submitter. Criteria: Invitae Variant Classification Sherloc (09022015). Collection method: clinical testing. Allele origin: germline.

Mayo Clinic Laboratories, Mayo Clinic
Classification: Uncertain significance. Last evaluated: 2025-05-13. Review status: criteria provided, single submitter. Criteria: ACMG Guidelines, 2015. Collection method: clinical testing. Allele origin: germline. Observed: 1 variant allele.
Comment: BP4

Blueprint Genetics
Classification: Uncertain significance. Last evaluated: 2024-11-21. Review status: criteria provided, single submitter. Criteria: ACMG Guidelines, 2015. Collection method: clinical testing. Allele origin: germline.

Genome Diagnostics Laboratory, The Hospital for Sick Children
Classification: Uncertain significance for Autoinflammatory syndrome. Last evaluated: 2020-03-01. Review status: criteria provided, single submitter. Criteria: ACMG Guidelines, 2015. Collection method: clinical testing. Allele origin: germline. Affected: yes.

Illumina Laboratory Services, Illumina
Classification: Uncertain significance for Griscelli syndrome type 2. Last evaluated: 2018-01-12. Review status: criteria provided, single submitter. Criteria: ICSL Variant Classification Criteria 13 December 2019. Collection method: clinical testing. Allele origin: germline.

Department of Pathology and Laboratory Medicine, Sinai Health System
Classification: Uncertain significance. Review status: no assertion criteria provided. Collection method: clinical testing. Allele origin: unknown. Affected: yes. Study: The Canadian Open Genetics Repository (COGR). Not counted in ClinVar's aggregate classification.
Comment: The RAB27A p.Gln140Glu variant was not identified in the literature but was identified in dbSNP (ID: rs150463407) and ClinVar (classified as uncertain significance by Invitae). The variant was identified in control databases in 101 of 282708 chromosomes at a frequency of 0.0003573 increasing the likelihood this could be a low frequency benign variant (Genome Aggregation Database March 6, 2019, v2.1.1). The variant was observed in the following populations: European (non-Finnish) in 83 of 129094 chromosomes (freq: 0.000643), Ashkenazi Jewish in 4 of 10366 chromosomes (freq: 0.000386), Other in 2 of 7218 chromosomes (freq: 0.000277), Latino in 9 of 35438 chromosomes (freq: 0.000254) and African in 3 of 24962 chromosomes (freq: 0.00012), but was not observed in the East Asian, European (Finnish), or South Asian populations. The p.Gln140 residue is conserved in mammals but not in more distantly related organisms however four out of five computational analyses (PolyPhen-2, SIFT, AlignGVGD, BLOSUM, MutationTaster) do not suggest a high likelihood of impact to the protein; this information is not predictive enough to rule out pathogenicity. The variant occurs outside of the splicing consensus sequence and in silico or computational prediction software programs (SpliceSiteFinder, MaxEntScan, NNSPLICE, GeneSplicer) do not predict a difference in splicing. In summary, based on the above information the clinical significance of this variant cannot be determined with certainty at this time. This variant is classified as a variant of uncertain significance.

Literature cited by the submitters: PubMed 38103590 (cited by Mayo Clinic Laboratories, Mayo Clinic).

NM_183235.3(RAB27A):c.418C>G (p.Gln140Glu)

Gene: RAB27A (RAB27A, member RAS oncogene family; minus strand). Cytogenetic location: 15q21.3.
Variant type: single nucleotide variant.
Coding change: c.418C>G on transcript NM_183235.3 (MANE Select); coding-DNA position 418, C replaced by G.
Protein change: p.Gln140Glu; replaces glutamine 140 with glutamic acid.
Molecular consequence: missense variant.
Genome position (GRCh38, 1-based): chr15:55,223,938, G>C on the plus strand (C>G on the coding strand, the complement: RAB27A is on the minus strand). VCF-style: chr15-55223938-G-C. GRCh37 (hg19) VCF-style: chr15-55516136-G-C.
Other names: p.Gln140Glu; c.418C>G, p.Gln140Glu (NM_004580.5, NM_183234.3, NM_183236.3); short protein forms Q140E.
Identifiers: ClinVar variation 536462 (VCV000536462.21), dbSNP rs150463407, ClinGen allele CA7573579.